The following is an entry in ClinVar:

NM_182641.4(BPTF):c.78_83dup (p.Pro31_Thr32insProPro)

Gene: BPTF (bromodomain PHD finger transcription factor; plus strand). Cytogenetic location: 17q24.2.
Variant type: Duplication.
Coding change: c.78_83dup on transcript NM_182641.4 (MANE Select); coding-DNA positions 78 to 83, 6 bases duplicated (ACCGCC; older notation c.78_83dupACCGCC).
Protein change: p.Pro31_Thr32insProPro.
Genome position (GRCh38, 1-based): chr17:67,825,802-67,825,807, ACCGCC duplicated; duplicating any 6 consecutive bases within chr17:67,825,797-67,825,807 gives the same sequence; the c. name uses the placement nearest the transcript's 3' end. VCF-style (leftmost placement, unchanged base first): chr17-67825796-G-GCCGCCA. GRCh37 (hg19) VCF-style: chr17-65821912-G-GCCGCCA.
Other names: c.78_83dup, p.Pro31_Thr32insProPro (NM_001439139.1, NM_001439140.1, NM_001439141.1 and 4 more transcripts).
Identifiers: ClinVar variation 4770898 (VCV004770898.1).

ClinVar aggregate classification (germline): Uncertain significance (1 of 4 stars; one submission).

Submission:

Labcorp Genetics (formerly Invitae), Labcorp
Classification: Uncertain significance. Last evaluated: 2025-07-29. Review status: criteria provided, single submitter. Criteria: Invitae Variant Classification Sherloc (09022015). Collection method: clinical testing. Allele origin: germline.
Comment: This variant, c.78_83dup, results in the insertion of 2 amino acid(s) of the BPTF protein (p.Pro30_Pro31dup), but otherwise preserves the integrity of the reading frame. The frequency data for this variant in the population databases is considered unreliable, as metrics indicate insufficient coverage at this position in the gnomAD database. This variant has not been reported in the literature in individuals affected with BPTF-related conditions. In summary, the available evidence is currently insufficient to determine the role of this variant in disease. Therefore, it has been classified as a Variant of Uncertain Significance.